The following is an entry in ClinVar:

ClinVar aggregate classification (germline): Uncertain significance. Review status: criteria provided, multiple submitters, no conflicts (2 of 4 stars). 2 submissions from 2 submitters: Uncertain significance (2). Last evaluated 2025-11-26.

Conditions:
Inborn genetic diseases. Identifiers: MedGen C0950123, MeSH D030342.

Allele frequency attached by ClinVar (database versions not stated): ExAC 0.00001; gnomAD 0.00001; TOPMed 0.00001; 1000 Genomes Project 0.00020; gnomAD exomes below 0.00001; 1000 Genomes Project 30x 0.00031.

Submissions (2):

Ambry Genetics
Classification: Uncertain significance for Inborn genetic diseases. Last evaluated: 2025-11-26. Review status: criteria provided, single submitter. Criteria: Ambry Variant Classification Scheme 2023. Collection method: clinical testing. Allele origin: germline.

Labcorp Genetics (formerly Invitae), Labcorp
Classification: Uncertain significance. Last evaluated: 2024-02-23. Review status: criteria provided, single submitter. Criteria: Invitae Variant Classification Sherloc (09022015). Collection method: clinical testing. Allele origin: germline.
Comment: This sequence change replaces methionine, which is neutral and non-polar, with isoleucine, which is neutral and non-polar, at codon 83 of the NKX2-1 protein (p.Met83Ile). The frequency data for this variant in the population databases is considered unreliable, as metrics indicate poor data quality at this position in the gnomAD database. This variant has not been reported in the literature in individuals affected with NKX2-1-related conditions. ClinVar contains an entry for this variant (Variation ID: 2304217). An algorithm developed to predict the effect of missense changes on protein structure and function (PolyPhen-2) suggests that this variant is likely to be disruptive. In summary, the available evidence is currently insufficient to determine the role of this variant in disease. Therefore, it has been classified as a Variant of Uncertain Significance.

NM_001079668.3(NKX2-1):c.249G>T (p.Met83Ile)

Genes: NKX2-1 (NK2 homeobox 1; minus strand), SFTA3 (surfactant associated 3; minus strand). Cytogenetic location: 14q13.3.
Variant type: single nucleotide variant.
Coding change: c.249G>T on transcript NM_001079668.3 (MANE Select); coding-DNA position 249, G replaced by T.
Protein change: p.Met83Ile; replaces methionine 83 with isoleucine.
Molecular consequence: missense variant.
Genome position (GRCh38, 1-based): chr14:36,519,199, C>A on the plus strand (G>T on the coding strand, the complement: NKX2-1 is on the minus strand). VCF-style: chr14-36519199-C-A. GRCh37 (hg19) VCF-style: chr14-36988404-C-A.
Other names: c.159G>T, p.Met53Ile (NM_003317.4); short protein forms M53I, M83I.
Identifiers: ClinVar variation 2304217 (VCV002304217.6), dbSNP rs566702552, ClinGen allele CA7158558.